The following is an entry in ClinVar:

ClinVar aggregate classification (germline): Uncertain significance (1 of 4 stars; one submission).

Allele frequency attached by ClinVar (database versions not stated): gnomAD exomes below 0.00001; TOPMed below 0.00001; ExAC 0.00001; gnomAD 0.00001.
gnomAD v4.1: 2 of 1,608,860 alleles (0.00012%); highest among the groups gnomAD compares: Admixed American, 0.0017%; no homozygotes.

Submission:

Labcorp Genetics (formerly Invitae), Labcorp
Classification: Uncertain significance. Last evaluated: 2023-06-03. Review status: criteria provided, single submitter. Criteria: Invitae Variant Classification Sherloc (09022015). Collection method: clinical testing. Allele origin: germline.
Comment: In summary, the available evidence is currently insufficient to determine the role of this variant in disease. Therefore, it has been classified as a Variant of Uncertain Significance. This sequence change replaces leucine, which is neutral and non-polar, with valine, which is neutral and non-polar, at codon 320 of the CDC6 protein (p.Leu320Val). This variant is present in population databases (rs763494471, gnomAD 0.007%). This variant has not been reported in the literature in individuals affected with CDC6-related conditions. An algorithm developed to predict the effect of missense changes on protein structure and function (PolyPhen-2) suggests that this variant is likely to be disruptive.

NM_001254.4(CDC6):c.958C>G (p.Leu320Val)

Gene: CDC6 (cell division cycle 6; plus strand). Cytogenetic location: 17q21.2.
Variant type: single nucleotide variant.
Coding change: c.958C>G on transcript NM_001254.4 (MANE Select); coding-DNA position 958, C replaced by G.
Protein change: p.Leu320Val; replaces leucine 320 with valine.
Molecular consequence: missense variant.
Genome position (GRCh38, 1-based): chr17:40,294,378, C>G. VCF-style: chr17-40294378-C-G. GRCh37 (hg19) VCF-style: chr17-38450630-C-G.
Other names: short protein forms L320V.
Identifiers: ClinVar variation 2761046 (VCV002761046.3), dbSNP rs763494471, ClinGen allele CA8542025.